The following is an entry in ClinVar:

NM_002458.3(MUC5B):c.11105C>T (p.Thr3702Met)

Genes: MUC5B (mucin 5B, oligomeric mucus/gel-forming; plus strand), MUC5B-AS1 (MUC5B antisense RNA 1; minus strand). Cytogenetic location: 11p15.5.
Variant type: single nucleotide variant.
Coding change: c.11105C>T on transcript NM_002458.3 (MANE Select); coding-DNA position 11105, C replaced by T.
Protein change: p.Thr3702Met; replaces threonine 3702 with methionine.
Molecular consequence: missense variant.
Genome position (GRCh38, 1-based): chr11:1,247,985, C>T. VCF-style: chr11-1247985-C-T. GRCh37 (hg19) VCF-style: chr11-1269215-C-T.
Other names: short protein forms T3702M.
Identifiers: ClinVar variation 403167 (VCV000403167.7), dbSNP rs34528873, ClinGen allele CA5807538.
Genomic context (GRCh38, chr11:1,247,985, plus strand): 5'-CGCCCTCCTCAACTCCGGGGACGACCTGGATCCTCACAAAGCTGACCACAACAGCCACTA[C>T]GACTGAGTCCACTGGATCCACGGCCACCCCGTCCTCCACCCCAGGGACCACCTGGATCCT-3'
Protein context (NP_002449.2, residues 3692-3712): ILTKLTTTAT[Thr3702Met]TESTGSTATP

ClinVar aggregate classification (germline): Benign. Review status: criteria provided, multiple submitters, no conflicts (2 of 4 stars). 3 submissions from 3 submitters: Benign (3). Last evaluated 2021-06-09.

Allele frequency attached by ClinVar (database versions not stated): 1000 Genomes Project 30x 0.08198; 1000 Genomes Project 0.08407; TOPMed 0.10274; gnomAD 0.10320; ESP Exome Variant Server 0.11968.

Submissions (3):

GeneDx
Classification: Benign. Last evaluated: 2021-06-09. Review status: criteria provided, single submitter. Criteria: GeneDx Variant Classification Process June 2021. Collection method: clinical testing. Allele origin: germline. Affected: yes.

Laboratory for Molecular Medicine, Mass General Brigham Personalized Medicine
Classification: Benign. Last evaluated: 2016-03-28. Review status: criteria provided, single submitter. Criteria: LMM Criteria. Collection method: clinical testing. Allele origin: germline.
Comment: Variant identified in a genome or exome case(s) and assessed due to predicted null impact of the variant or pathogenic assertions in the literature or databases. Disclaimer: This variant has not undergone full assessment. The following are preliminary notes: Frequency

Breakthrough Genomics
Classification: Benign. Review status: criteria provided, single submitter. Criteria: ACMG Guidelines, 2015. Collection method: not provided. Allele origin: germline. Inheritance: Autosomal dominant inheritance. Affected: yes.